The following is an entry in ClinVar:

NM_001367871.1(FBRSL1):c.1629+60T>C

Gene: FBRSL1 (fibrosin like 1; plus strand). Cytogenetic location: 12q24.33.
Variant type: single nucleotide variant.
Coding change: c.1629+60T>C on transcript NM_001367871.1 (MANE Select); 60 bases into the intron after coding-DNA position 1629, T replaced by C.
Molecular consequence: intron variant. On other transcripts: synonymous variant (1).
Genome position (GRCh38, 1-based): chr12:132,574,408, T>C. VCF-style: chr12-132574408-T-C. GRCh37 (hg19) VCF-style: chr12-133150994-T-C.
Other names: c.1674T>C, p.Pro558= (NM_001142641.2); c.1683+60T>C (NM_001382739.1); c.1213+3868T>C (NM_001382740.1).
Identifiers: ClinVar variation 5041074 (VCV005041074.1).

ClinVar aggregate classification (germline): Likely benign (1 of 4 stars; one submission).

Submission:

CeGaT Center for Human Genetics Tuebingen
Classification: Likely benign. Last evaluated: 2026-09-01. Review status: criteria provided, single submitter. Criteria: CeGaT Center For Human Genetics Tuebingen Variant Classification Criteria Version 2. Collection method: clinical testing. Allele origin: germline. Affected: yes. Observed: 1 variant allele.
Comment: FBRSL1: PM2:Supporting, BP4, BP7